The following is an entry in ClinVar:

ClinVar aggregate classification (germline): Uncertain significance (0 of 4 stars; one submission).

Conditions:
MYH6-related disorder. Also called: MYH6-Related Disorders; MYH6-related condition.

gnomAD v4.1: 2 of 1,614,194 alleles (0.00012%); highest among the groups gnomAD compares: East Asian, 0.0022%; no homozygotes.

Submission:

PreventionGenetics, part of Exact Sciences
Classification: Uncertain significance for MYH6-related condition. Last evaluated: 2024-06-03. Review status: no assertion criteria provided. Collection method: clinical testing. Allele origin: germline.
Comment: The MYH6 c.1162C>T variant is predicted to result in the amino acid substitution p.Leu388Phe. This variant has been reported in the compound heterozygous state in an individual with atrioventricular canal defects (Table S3, Jin et al. 2017. PubMed ID: 28991257). This variant has not been reported in a large population database, indicating this variant is rare. At this time, the clinical significance of this variant is uncertain due to the absence of conclusive functional and genetic evidence.

NM_002471.4(MYH6):c.1162C>T (p.Leu388Phe)

Gene: MYH6 (myosin heavy chain 6; minus strand). Cytogenetic location: 14q11.2.
Variant type: single nucleotide variant.
Coding change: c.1162C>T on transcript NM_002471.4 (MANE Select); coding-DNA position 1162, C replaced by T.
Protein change: p.Leu388Phe; replaces leucine 388 with phenylalanine.
Molecular consequence: missense variant.
Genome position (GRCh38, 1-based): chr14:23,400,957, G>A on the plus strand (C>T on the coding strand, the complement: MYH6 is on the minus strand). VCF-style: chr14-23400957-G-A. GRCh37 (hg19) VCF-style: chr14-23870166-G-A.
Other names: short protein forms L388F.
Identifiers: ClinVar variation 3346244 (VCV003346244.1).